The following is an entry in ClinVar:

ClinVar aggregate classification (germline): Uncertain significance (1 of 4 stars; one submission).

Submission:

Labcorp Genetics (formerly Invitae), Labcorp
Classification: Uncertain significance. Last evaluated: 2024-05-13. Review status: criteria provided, single submitter. Criteria: Invitae Variant Classification Sherloc (09022015). Collection method: clinical testing. Allele origin: germline.
Comment: This sequence change replaces glycine, which is neutral and non-polar, with serine, which is neutral and polar, at codon 618 of the GFM2 protein (p.Gly618Ser). This variant is not present in population databases (gnomAD no frequency). This variant has not been reported in the literature in individuals affected with GFM2-related conditions. ClinVar contains an entry for this variant (Variation ID: 1962862). Advanced modeling of protein sequence and biophysical properties (such as structural, functional, and spatial information, amino acid conservation, physicochemical variation, residue mobility, and thermodynamic stability) performed at Invitae indicates that this missense variant is not expected to disrupt GFM2 protein function with a negative predictive value of 80%. In summary, the available evidence is currently insufficient to determine the role of this variant in disease. Therefore, it has been classified as a Variant of Uncertain Significance.

NM_032380.5(GFM2):c.1852G>A (p.Gly618Ser)

Gene: GFM2 (GTP dependent ribosome recycling factor mitochondrial 2; minus strand). Cytogenetic location: 5q13.3.
Variant type: single nucleotide variant.
Coding change: c.1852G>A on transcript NM_032380.5 (MANE Select); coding-DNA position 1852, G replaced by A.
Protein change: p.Gly618Ser; replaces glycine 618 with serine.
Molecular consequence: missense variant. On other transcripts: non-coding transcript variant (1).
Genome position (GRCh38, 1-based): chr5:74,726,001, C>T on the plus strand (G>A on the coding strand, the complement: GFM2 is on the minus strand). VCF-style: chr5-74726001-C-T. GRCh37 (hg19) VCF-style: chr5-74021826-C-T.
Other names: c.1948G>A, p.Gly650Ser (NM_001281302.2); c.1711G>A, p.Gly571Ser (NM_170691.3); short protein forms G618S, G571S, G650S.
Identifiers: ClinVar variation 1962862 (VCV001962862.5), dbSNP rs2478808795, ClinGen allele CA360076741.
Genomic context (GRCh38, chr5:74,726,001, plus strand): 5'-CTTGGAGACATGCGCTGTGAATTCCATTTTCAATGGCCTCTTGGGAGACCTTCAAAAGGC[C>T]TTCATTGATACTTTCAGCATACTCAAACTCAATCACAGGCATAACAGATGATGTTTCAAT-3'
Protein context (NP_115756.2, residues 608-628): EFEYAESINE[Gly618Ser]LLKVSQEAIE